The following is an entry in ClinVar:

NM_020964.3(EPG5):c.3710C>G (p.Thr1237Arg)

Gene: EPG5 (ectopic P-granules 5 autophagy tethering factor; minus strand). Cytogenetic location: 18q21.1.
Variant type: single nucleotide variant.
Coding change: c.3710C>G on transcript NM_020964.3 (MANE Select); coding-DNA position 3710, C replaced by G.
Protein change: p.Thr1237Arg; replaces threonine 1237 with arginine.
Molecular consequence: missense variant.
Genome position (GRCh38, 1-based): chr18:45,913,812, G>C on the plus strand (C>G on the coding strand, the complement: EPG5 is on the minus strand). VCF-style: chr18-45913812-G-C. GRCh37 (hg19) VCF-style: chr18-43493777-G-C.
Other names: c.3710C>G, p.Thr1237Arg (NM_001410858.1, NM_001410859.1); short protein forms T1237R.
Identifiers: ClinVar variation 4739825 (VCV004739825.1).
Genomic context (GRCh38, chr18:45,913,812, plus strand): 5'-CCTTCAATAACTCTCCGGAGCTGGGAGTCCTCTTCAAAGATGGATTCCATGTTGAGCACT[G>C]TCCAGGCAAACCAGACCTATAATGACACCAGATAAAGGGGAGGGGAAGGAGGAGCTCGCC-3'
Protein context (NP_066015.2, residues 1227-1247): ATPTQVWFAW[Thr1237Arg]VLNMESIFEE

ClinVar aggregate classification (germline): Uncertain significance (1 of 4 stars; one submission).

Conditions:
Vici syndrome (VICIS). Identifiers: Orphanet 1493, MedGen C1855772, MONDO:0009452, OMIM 242840.

Submission:

Labcorp Genetics (formerly Invitae), Labcorp
Classification: Uncertain significance for Vici syndrome. Last evaluated: 2025-11-03. Review status: criteria provided, single submitter. Criteria: Invitae Variant Classification Sherloc (09022015). Collection method: clinical testing. Allele origin: germline.
Comment: This sequence change replaces threonine, which is neutral and polar, with arginine, which is basic and polar, at codon 1237 of the EPG5 protein (p.Thr1237Arg). This variant is not present in population databases (gnomAD no frequency). This variant has not been reported in the literature in individuals affected with EPG5-related conditions. Invitae Evidence Modeling of protein sequence and biophysical properties (such as structural, functional, and spatial information, amino acid conservation, physicochemical variation, residue mobility, and thermodynamic stability) indicates that this missense variant is not expected to disrupt EPG5 protein function with a negative predictive value of 80%. In summary, the available evidence is currently insufficient to determine the role of this variant in disease. Therefore, it has been classified as a Variant of Uncertain Significance.